The following is an entry in ClinVar:

ClinVar aggregate classification (germline): Likely pathogenic (1 of 4 stars; one submission).

Conditions:
Primary ciliary dyskinesia. Also called: Ciliary dyskinesia. Identifiers: Orphanet 244, MedGen C0008780, MONDO:0016575, HP:0012265.

Submission:

Natera, Inc.
Classification: Likely pathogenic for Primary ciliary dyskinesia. Last evaluated: 2025-12-01. Review status: criteria provided, single submitter. Criteria: Natera Variant Classification Schema (03/2026). Collection method: clinical testing. Allele origin: germline.
Comment: The c.9441_9442del variant in DNAH5 is a frameshift variant predicted to shift the reading frame beginning at codon 3148 and leads to a stop codon 10 codons downstream. This variant is expected to result in nonsense mediated decay, truncation, or a dysfunctional protein product. This variant is rare in the general population with a frequency below the threshold expected for the associated phenotype(s). Given the available evidence, this variant is classified as Likely Pathogenic.

NM_001369.3(DNAH5):c.9441_9442del (p.Cys3148fs)

Gene: DNAH5 (dynein axonemal heavy chain 5; minus strand). Cytogenetic location: 5p15.2.
Variant type: Deletion.
Coding change: c.9441_9442del on transcript NM_001369.3 (MANE Select); coding-DNA positions 9441 to 9442, 2 bases deleted (AT; older notation c.9441_9442delAT).
Protein change: p.Cys3148fs; shifts the reading frame from cysteine 3148.
Molecular consequence: frameshift variant.
Genome position (GRCh38, 1-based): chr5:13,770,912-13,770,913, AT deleted on the plus strand (AT on the coding strand, the reverse complement: DNAH5 is on the minus strand). VCF-style (leftmost placement, unchanged base first): chr5-13770911-CAT-C. GRCh37 (hg19) VCF-style: chr5-13771020-CAT-C.
Other names: short protein forms C3148fs.
Identifiers: ClinVar variation 4814921 (VCV004814921.1).
Genomic context (GRCh38, chr5:13,770,911, plus strand): 5'-CGGAATCTCTGAAAATAATCAACACACTTCTCAGCCACCCCATCCTGGAAGGAGCCCATG[CAT>C]TGGACCACCTCCTTCTTGATTTCCAAACTGCAGTCAATATCATAGGAAGTGAGGAAGTGT-3'